The following is an entry in ClinVar:

ClinVar aggregate classification (germline): Uncertain significance (1 of 4 stars; one submission).

Conditions:
Chuvash polycythemia. Also called: POLYCYTHEMIA, VHL-DEPENDENT. Identifiers: Orphanet 238557, MedGen C1837915, MONDO:0009892, OMIM 263400.
Von Hippel-Lindau syndrome (VHLS). Also called: von Hippel–Lindau syndrome; VHL syndrome; Von Hippel-Lindau. Identifiers: Orphanet 892, MedGen C0019562, MONDO:0008667, OMIM 193300. Disease mechanism: loss of function.

Submission:

Labcorp Genetics (formerly Invitae), Labcorp
Classification: Uncertain significance for Von Hippel-Lindau syndrome; Chuvash polycythemia. Last evaluated: 2023-11-02. Review status: criteria provided, single submitter. Criteria: Invitae Variant Classification Sherloc (09022015). Collection method: clinical testing. Allele origin: germline.
Comment: This sequence change replaces proline, which is neutral and non-polar, with serine, which is neutral and polar, at codon 45 of the VHL protein (p.Pro45Ser). This variant is not present in population databases (gnomAD no frequency). This variant has not been reported in the literature in individuals affected with VHL-related conditions. Advanced modeling of protein sequence and biophysical properties (such as structural, functional, and spatial information, amino acid conservation, physicochemical variation, residue mobility, and thermodynamic stability) performed at Invitae indicates that this missense variant is not expected to disrupt VHL protein function with a negative predictive value of 95%. In summary, the available evidence is currently insufficient to determine the role of this variant in disease. Therefore, it has been classified as a Variant of Uncertain Significance.

NM_000551.4(VHL):c.133C>T (p.Pro45Ser)

Gene: VHL (von Hippel-Lindau tumor suppressor; plus strand). Cytogenetic location: 3p25.3.
Variant type: single nucleotide variant.
Coding change: c.133C>T on transcript NM_000551.4 (MANE Select); coding-DNA position 133, C replaced by T.
Protein change: p.Pro45Ser; replaces proline 45 with serine.
Molecular consequence: missense variant. On other transcripts: non-coding transcript variant (1).
Genome position (GRCh38, 1-based): chr3:10,141,980, C>T. VCF-style: chr3-10141980-C-T. GRCh37 (hg19) VCF-style: chr3-10183664-C-T.
Other names: c.133C>T, p.Pro45Ser (NM_001354723.2, NM_198156.3); short protein forms P45S.
Identifiers: ClinVar variation 2943203 (VCV002943203.3), dbSNP rs1575921452, ClinGen allele CA351748076.
Genomic context (GRCh38, chr3:10,141,980, plus strand): 5'-CCTGAAGAAGACGGCGGGGAGGAGTCGGGCGCCGAGGAGTCCGGCCCGGAAGAGTCCGGC[C>T]CGGAGGAACTGGGCGCCGAGGAGGAGATGGAGGCCGGGCGGCCGCGGCCCGTGCTGCGCT-3'
Protein context (NP_000542.1, residues 35-55): AEESGPEESG[Pro45Ser]EELGAEEEME